The following is an entry in ClinVar:

NM_024753.5(TTC21B):c.301G>C (p.Glu101Gln)

Genes: TTC21B (tetratricopeptide repeat domain 21B; minus strand), TTC21B-AS1 (TTC21B antisense RNA 1; plus strand). Cytogenetic location: 2q24.3.
Variant type: single nucleotide variant.
Coding change: c.301G>C on transcript NM_024753.5 (MANE Select); coding-DNA position 301, G replaced by C.
Protein change: p.Glu101Gln; replaces glutamic acid 101 with glutamine.
Molecular consequence: missense variant.
Genome position (GRCh38, 1-based): chr2:165,945,652, C>G on the plus strand (G>C on the coding strand, the complement: TTC21B is on the minus strand). VCF-style: chr2-165945652-C-G. GRCh37 (hg19) VCF-style: chr2-166802162-C-G.
Other names: c.301G>C (NM_024753.3); short protein forms E101Q.
Identifiers: ClinVar variation 1967804 (VCV001967804.7), dbSNP rs776765352, ClinGen allele CA1942485.

ClinVar aggregate classification (germline): Uncertain significance. Review status: criteria provided, multiple submitters, no conflicts (2 of 4 stars). 3 submissions from 3 submitters: Uncertain significance (3). Last evaluated 2025-12-16.

Conditions:
Nephronophthisis 12 (NPHP12). Identifiers: Orphanet 655, MedGen C3151186, MONDO:0013442, OMIM 613820.
Asphyxiating thoracic dystrophy 4 (SRTD4). Also called: SHORT-RIB THORACIC DYSPLASIA 4 WITH OR WITHOUT POLYDACTYLY; SHORT-RIB THORACIC DYSPLASIA 4. Identifiers: Orphanet 474, MedGen C3151185, MONDO:0013441, OMIM 613819.
Nephronophthisis. Also called: Juvenile Nephronophthisis. Identifiers: Orphanet 655, MedGen C0687120, MONDO:0019005, HP:0000090.
Jeune thoracic dystrophy. Also called: Jeune syndrome; Infantile thoracic dystrophy; Thoracic pelvic phalangeal dystrophy; Jeune's syndrome; Chondroectodermal dysplasia-like syndrome; Short-rib thoracic dysplasia. Identifiers: Orphanet 474, MedGen C0265275, MONDO:0018770.
Inborn genetic diseases. Identifiers: MedGen C0950123, MeSH D030342.

Allele frequency attached by ClinVar (database versions not stated): ExAC 0.00001; gnomAD 0.00002; TOPMed 0.00003; gnomAD exomes below 0.00001.

Submissions (3):

Ambry Genetics
Classification: Uncertain significance for Inborn genetic diseases. Last evaluated: 2025-12-16. Review status: criteria provided, single submitter. Criteria: Ambry Variant Classification Scheme 2023. Collection method: clinical testing. Allele origin: germline.

Fulgent Genetics
Classification: Uncertain significance for Asphyxiating thoracic dystrophy 4; Nephronophthisis 12. Last evaluated: 2024-01-29. Review status: criteria provided, single submitter. Criteria: ACMG Guidelines, 2015. Collection method: clinical testing. Allele origin: germline.

Labcorp Genetics (formerly Invitae), Labcorp
Classification: Uncertain significance for Jeune thoracic dystrophy; Nephronophthisis. Last evaluated: 2022-07-20. Review status: criteria provided, single submitter. Criteria: Invitae Variant Classification Sherloc (09022015). Collection method: clinical testing. Allele origin: germline.
Comment: In summary, the available evidence is currently insufficient to determine the role of this variant in disease. Therefore, it has been classified as a Variant of Uncertain Significance. Algorithms developed to predict the effect of missense changes on protein structure and function (SIFT, PolyPhen-2, Align-GVGD) all suggest that this variant is likely to be tolerated. This variant has not been reported in the literature in individuals affected with TTC21B-related conditions. This variant is present in population databases (rs776765352, gnomAD 0.007%). This sequence change replaces glutamic acid, which is acidic and polar, with glutamine, which is neutral and polar, at codon 101 of the TTC21B protein (p.Glu101Gln).